The following is an entry in ClinVar:

ClinVar aggregate classification (germline): Benign/Likely benign. Review status: criteria provided, multiple submitters, no conflicts (2 of 4 stars). 9 submissions from 9 submitters: Benign (3); Likely benign (5). 1 of the submissions does not count toward it. Last evaluated 2026-05-01.

Conditions:
Giant axonal neuropathy 1 (GAN1). Also called: GIANT AXONAL NEUROPATHY 1, AUTOSOMAL RECESSIVE; GAN-Related Neurodegeneration. Identifiers: Orphanet 643, MedGen C1850386, MONDO:0009749, OMIM 256850.
GAN-related disorder. Also called: GAN-related condition.
Inborn genetic diseases. Identifiers: MedGen C0950123, MeSH D030342.

Allele frequency attached by ClinVar (database versions not stated): gnomAD exomes 0.00086; ExAC 0.00100; 1000 Genomes Project 30x 0.00281; 1000 Genomes Project 0.00319; gnomAD 0.00326 and 0.00357; TOPMed 0.00357; ESP Exome Variant Server 0.00408.

Submissions (9):

CeGaT Center for Human Genetics Tuebingen
Classification: Likely benign. Last evaluated: 2026-05-01. Review status: criteria provided, single submitter. Criteria: CeGaT Center For Human Genetics Tuebingen Variant Classification Criteria Version 2. Collection method: clinical testing. Allele origin: germline. Affected: yes. Observed: 2 variant alleles.
Comment: GAN: BP4, BP7, BS1

Labcorp Genetics (formerly Invitae), Labcorp
Classification: Benign for Giant axonal neuropathy 1. Last evaluated: 2026-01-26. Review status: criteria provided, single submitter. Criteria: Invitae Variant Classification Sherloc (09022015). Collection method: clinical testing. Allele origin: germline.

Blueprint Genetics
Classification: Likely benign. Last evaluated: 2024-09-03. Review status: criteria provided, single submitter. Criteria: ACMG Guidelines, 2015. Collection method: clinical testing. Allele origin: germline.

Mayo Clinic Laboratories, Mayo Clinic
Classification: Benign. Last evaluated: 2023-09-20. Review status: criteria provided, single submitter. Criteria: ACMG Guidelines, 2015. Collection method: clinical testing. Allele origin: germline. Observed: 5 variant alleles.
Comment: BA1, BP4, BP7

Ambry Genetics
Classification: Likely benign for Inborn genetic diseases. Last evaluated: 2019-07-11. Review status: criteria provided, single submitter. Criteria: Ambry Variant Classification Scheme 2023. Collection method: clinical testing. Allele origin: germline.

Illumina Laboratory Services, Illumina
Classification: Likely benign for Giant axonal neuropathy 1. Last evaluated: 2018-01-12. Review status: criteria provided, single submitter. Criteria: ICSL Variant Classification Criteria 13 December 2019. Collection method: clinical testing. Allele origin: germline.
Comment: This variant was observed in the ICSL laboratory as part of a predisposition screen in an ostensibly healthy population. It had not been previously curated by ICSL or reported in the Human Gene Mutation Database (HGMD: prior to June 1st, 2018), and was therefore a candidate for classification through an automated scoring system. Utilizing variant allele frequency, disease prevalence and penetrance estimates, and inheritance mode, an automated score was calculated to assess if this variant is too frequent to cause the disease. Based on the score and internal cut-off values, a variant classified as likely benign is not then subjected to further curation. The score for this variant resulted in a classification of likely benign for this disease.

GeneDx
Classification: Benign. Last evaluated: 2015-03-03. Review status: criteria provided, single submitter. Criteria: GeneDx Variant Classification Process June 2021. Collection method: clinical testing. Allele origin: germline. Affected: yes.

Breakthrough Genomics
Classification: Likely benign. Review status: criteria provided, single submitter. Criteria: ACMG Guidelines, 2015. Collection method: not provided. Allele origin: germline. Inheritance: Autosomal recessive inheritance. Affected: yes.

PreventionGenetics, part of Exact Sciences
Classification: Benign for GAN-related condition. Last evaluated: 2019-04-15. Review status: no assertion criteria provided. Collection method: clinical testing. Allele origin: germline. Not counted in ClinVar's aggregate classification.
Comment: This variant is classified as benign based on ACMG/AMP sequence variant interpretation guidelines (Richards et al. 2015 PMID: 25741868, with internal and published modifications).

NM_022041.4(GAN):c.1182C>T (p.Tyr394=)

Gene: GAN (gigaxonin; plus strand). Cytogenetic location: 16q23.2.
Variant type: single nucleotide variant.
Coding change: c.1182C>T on transcript NM_022041.4 (MANE Select); coding-DNA position 1182, C replaced by T.
Protein change: p.Tyr394=; no amino-acid change (tyrosine 394 retained).
Molecular consequence: synonymous variant.
Genome position (GRCh38, 1-based): chr16:81,363,889, C>T. VCF-style: chr16-81363889-C-T. GRCh37 (hg19) VCF-style: chr16-81397494-C-T.
Other names: p.Tyr394=; c.543C>T, p.Tyr181= (NM_001377486.1).
Identifiers: ClinVar variation 465387 (VCV000465387.37), dbSNP rs150102659, ClinGen allele CA8191640.